The following is an entry in ClinVar:

ClinVar aggregate classification (germline): Uncertain significance (1 of 4 stars; one submission).

Conditions:
Rhabdoid tumor predisposition syndrome 2 (RTPS2). Identifiers: Orphanet 231108, Orphanet 69077, MedGen C2750074, MONDO:0013224, OMIM 613325.

Submission:

Labcorp Genetics (formerly Invitae), Labcorp
Classification: Uncertain significance for Rhabdoid tumor predisposition syndrome 2. Last evaluated: 2023-10-12. Review status: criteria provided, single submitter. Criteria: Invitae Variant Classification Sherloc (09022015). Collection method: clinical testing. Allele origin: germline.
Comment: This sequence change affects codon 872 of the SMARCA4 mRNA. It is a 'silent' change, meaning that it does not change the encoded amino acid sequence of the SMARCA4 protein. This variant also falls at the last nucleotide of exon 18, which is part of the consensus splice site for this exon. This variant is not present in population databases (gnomAD no frequency). This variant has not been reported in the literature in individuals affected with SMARCA4-related conditions. Variants that disrupt the consensus splice site are a relatively common cause of aberrant splicing (PMID: 17576681, 9536098). Algorithms developed to predict the effect of sequence changes on RNA splicing suggest that this variant may create or strengthen a splice site. In summary, the available evidence is currently insufficient to determine the role of this variant in disease. Therefore, it has been classified as a Variant of Uncertain Significance.

Literature cited by the submitters: PubMed 17576681; PubMed 9536098.

NM_003072.5(SMARCA4):c.2616G>A (p.Lys872=)

Gene: SMARCA4 (SWI/SNF related BAF chromatin remodeling complex subunit ATPase 4; plus strand). Cytogenetic location: 19p13.2.
Variant type: single nucleotide variant.
Coding change: c.2616G>A on transcript NM_003072.5 (MANE Select); coding-DNA position 2616, G replaced by A.
Protein change: p.Lys872=; no amino-acid change (lysine 872 retained).
Molecular consequence: synonymous variant. On other transcripts: non-coding transcript variant (1).
Genome position (GRCh38, 1-based): chr19:11,019,701, G>A. VCF-style: chr19-11019701-G-A. GRCh37 (hg19) VCF-style: chr19-11130377-G-A.
Other names: c.2616G>A, p.Lys872= (NM_001128844.3, NM_001128845.2, NM_001128846.2 and 6 more transcripts).
Identifiers: ClinVar variation 2767689 (VCV002767689.3), dbSNP rs2514831336, ClinGen allele CA505490279.
Genomic context (GRCh38, chr19:11,019,701, plus strand): 5'-GTTCAACGTCTTGCTGACGACGTACGAGTACATCATCAAAGACAAGCACATCCTCGCCAA[G>A]GTAACGTGTCCCTGTGGGAAATGCCAGGCCATGGGCCGAGTGCTCACACGTGGGTCACGC-3'
Protein context (NP_003063.2, residues 862-882): YIIKDKHILA[Lys872=]IRWKYMIVDE